The following is an entry in ClinVar:

ClinVar aggregate classification (germline): Pathogenic (1 of 4 stars; one submission).

Conditions:
Diamond-Blackfan anemia. Also called: Blackfan Diamond syndrome; Aregenerative anemia chronic congenital; Red cell aplasia, pure hereditary; Congenital hypoplastic anemia; Aase syndrome. Identifiers: Orphanet 124, MedGen C1260899, MeSH D029503, MONDO:0015253, HP:0004810.

Submission:

Labcorp Genetics (formerly Invitae), Labcorp
Classification: Pathogenic for Diamond-Blackfan anemia. Last evaluated: 2017-06-03. Review status: criteria provided, single submitter. Criteria: Invitae Variant Classification Sherloc (09022015). Collection method: clinical testing. Allele origin: germline.
Comment: Loss-of-function variants in RPL5 are known to be pathogenic (PMID: 19773262, 19061985). For these reasons, this variant has been classified as Pathogenic. This variant has not been reported in the literature in individuals with an RPL5-related disease. This variant is not present in population databases (ExAC no frequency). This sequence change creates a premature translational stop signal (p.Tyr86Leufs*27) in the RPL5 gene. It is expected to result in an absent or disrupted protein product.

Literature cited by the submitters: PubMed 19773262; PubMed 19061985.

NM_000969.5(RPL5):c.256dup (p.Tyr86fs)

Genes: DIPK1A (divergent protein kinase domain 1A; minus strand), RPL5 (ribosomal protein L5; plus strand). Cytogenetic location: 1p22.1.
Variant type: Duplication.
Coding change: c.256dup on transcript NM_000969.5 (MANE Select); coding-DNA position 256, one base duplicated (T; older notation c.256dupT).
Protein change: p.Tyr86fs; shifts the reading frame from tyrosine 86.
Molecular consequence: frameshift variant. On other transcripts: non-coding transcript variant (1), intron variant (1).
Genome position (GRCh38, 1-based): chr1:92,834,845, T duplicated. VCF-style (leftmost placement, unchanged base first): chr1-92834844-A-AT. GRCh37 (hg19) VCF-style: chr1-93300401-A-AT.
Other names: c.475-1811dup (NM_001252273.2); short protein forms Y86fs.
Identifiers: ClinVar variation 463366 (VCV000463366.8), dbSNP rs1553121909, ClinGen allele CA658656945.